The following is an entry in ClinVar:

ClinVar aggregate classification (germline): Benign. Review status: reviewed by expert panel (3 of 4 stars). 12 submissions from 12 submitters: Benign (1). 11 of the submissions do not count toward it. Last evaluated 2025-11-11.

Conditions:
Cardiovascular phenotype. Identifiers: MedGen CN230736.
Cardiomyopathy (CMYO). Also called: Cardiomyopathies. Identifiers: Orphanet 167848, MedGen C0878544, MONDO:0004994, HP:0001638. Inheritance: Various modes of inheritance.
Hypertrophic cardiomyopathy. Also called: HYPERTROPHIC MYOCARDIOPATHY. Identifiers: Orphanet 217569, MedGen C0007194, MeSH D002312, MONDO:0005045, HP:0001639.

Allele frequency attached by ClinVar (database versions not stated): gnomAD 0.00011 and 0.00010; gnomAD exomes 0.00012 and 0.00049; ESP Exome Variant Server 0.00008; TOPMed 0.00023; ExAC 0.00047.
gnomAD v4.1: 179 of 1,614,064 alleles (0.011%); highest among the groups gnomAD compares: Admixed American, 0.21%; no homozygotes.

Submissions (12):

ClinGen Cardiomyopathy Variant Curation Expert Panel
Classification: Benign for Hypertrophic cardiomyopathy. Last evaluated: 2025-11-11. Review status: reviewed by expert panel. Criteria: ClinGen CMP ACMG Specifications MYH7 V2.0.0. Collection method: curation. Allele origin: germline. Inheritance: Autosomal dominant inheritance.
Comment: The filtering allele frequency of the c.4974C>T (p.Asp1658=) variant in the MYH7 gene is 0.36% (53/11558) of Latino chromosomes by the Exome Aggregation Consortium, which is a high enough frequency to be classified as benign based on thresholds defined by the ClinGen Inherited Cardiomyopathy Expert Panel (BA1; PMID:29300372).

CeGaT Center for Human Genetics Tuebingen
Classification: Likely benign. Last evaluated: 2026-09-01. Review status: criteria provided, single submitter. Criteria: CeGaT Center For Human Genetics Tuebingen Variant Classification Criteria Version 2. Collection method: clinical testing. Allele origin: germline. Affected: yes. Observed: 4 variant alleles. Not counted in ClinVar's aggregate classification.
Comment: MYH7: BP4, BP7

Labcorp Genetics (formerly Invitae), Labcorp
Classification: Benign for Hypertrophic cardiomyopathy. Last evaluated: 2026-01-24. Review status: criteria provided, single submitter. Criteria: Invitae Variant Classification Sherloc (09022015). Collection method: clinical testing. Allele origin: germline. Not counted in ClinVar's aggregate classification.

Molecular Diagnostic Laboratory for Inherited Cardiovascular Disease, Montreal Heart Institute
Classification: Benign. Last evaluated: 2025-04-09. Review status: criteria provided, single submitter. Criteria: ACMG Guidelines, 2015. Collection method: clinical testing. Allele origin: germline. Affected: no. Not counted in ClinVar's aggregate classification.

All of Us Research Program, National Institutes of Health
Classification: Benign for Cardiomyopathy. Last evaluated: 2024-02-05. Review status: criteria provided, single submitter. Criteria: ACMG Guidelines, 2015. Collection method: clinical testing. Allele origin: germline. Inheritance: Autosomal dominant inheritance. Observed: 35 variant alleles, 35 heterozygotes. Not counted in ClinVar's aggregate classification.
Comment: This study involves interpretation of variants in research participants for the purpose of population health screening. Participant phenotype was not available at the time of variant classification. Additional details can be found in publication PMID: 35346344, PMCID: PMC8962531

Blueprint Genetics
Classification: Likely benign. Last evaluated: 2024-01-12. Review status: criteria provided, single submitter. Criteria: ACMG Guidelines, 2015. Collection method: clinical testing. Allele origin: germline. Not counted in ClinVar's aggregate classification.

Women's Health and Genetics/Laboratory Corporation of America, LabCorp
Classification: Likely benign. Last evaluated: 2022-05-16. Review status: criteria provided, single submitter. Criteria: LabCorp Variant Classification Summary - May 2015. Collection method: clinical testing. Allele origin: germline. Not counted in ClinVar's aggregate classification.

Ambry Genetics
Classification: Benign for Cardiovascular phenotype. Last evaluated: 2019-09-06. Review status: criteria provided, single submitter. Criteria: Ambry Variant Classification Scheme 2023. Collection method: clinical testing. Allele origin: germline. Not counted in ClinVar's aggregate classification.

Color Diagnostics, LLC DBA Color Health
Classification: Benign for Cardiomyopathy. Last evaluated: 2019-02-28. Review status: criteria provided, single submitter. Criteria: ACMG Guidelines, 2015. Collection method: clinical testing. Allele origin: germline. Not counted in ClinVar's aggregate classification.

Eurofins Ntd Llc (ga)
Classification: Benign. Last evaluated: 2018-03-01. Review status: criteria provided, single submitter. Criteria: EGL ClinVar v180209 classification definitions. Collection method: clinical testing. Allele origin: germline. Observed: 1 variant allele, 1 heterozygote. Not counted in ClinVar's aggregate classification.

GeneDx
Classification: Benign. Last evaluated: 2015-03-03. Review status: criteria provided, single submitter. Criteria: GeneDx Variant Classification Process June 2021. Collection method: clinical testing. Allele origin: germline. Affected: yes. Not counted in ClinVar's aggregate classification.

Laboratory for Molecular Medicine, Mass General Brigham Personalized Medicine
Classification: Likely benign. Last evaluated: 2010-07-16. Review status: criteria provided, single submitter. Criteria: LMM Criteria. Collection method: clinical testing. Allele origin: germline. Observed: 2 variant alleles. Not counted in ClinVar's aggregate classification.
Comment: This variant has not yet been reported. It is not expected to have clinical sign ificance because it does not alter an amino acid residue and is not located near a splice junction.

Literature cited by the submitters: PubMed 29300372 (cited by ClinGen Cardiomyopathy Variant Curation Expert Panel).

NM_000257.4(MYH7):c.4974C>T (p.Asp1658=)

Genes: MHRT (myosin heavy chain associated RNA transcript; plus strand), MYH7 (myosin heavy chain 7; minus strand), LOC126861897 (BRD4-independent group 4 enhancer GRCh37_chr14:23884455-23885654; plus strand). Cytogenetic location: 14q11.2.
Variant type: single nucleotide variant.
Coding change: c.4974C>T on transcript NM_000257.4 (MANE Select); coding-DNA position 4974, C replaced by T.
Protein change: p.Asp1658=; no amino-acid change (aspartic acid 1658 retained).
Molecular consequence: synonymous variant. On other transcripts: non-coding transcript variant (1).
Genome position (GRCh38, 1-based): chr14:23,415,812, G>A on the plus strand (C>T on the coding strand, the complement: MYH7 is on the minus strand). VCF-style: chr14-23415812-G-A. GRCh37 (hg19) VCF-style: chr14-23885021-G-A.
Other names: NM_000257.3(MYH7):c.4974C>T.
Identifiers: ClinVar variation 43048 (VCV000043048.37), dbSNP rs374289523, ClinGen allele CA015510.